The following is an entry in ClinVar:

NM_006059.4(LAMC3):c.1631A>G (p.Glu544Gly)

Genes: LAMC3 (laminin subunit gamma 3; plus strand), LOC126860777 (BRD4-independent group 4 enhancer GRCh37_chr9:133927058-133928257; plus strand). Cytogenetic location: 9q34.12.
Variant type: single nucleotide variant.
Coding change: c.1631A>G on transcript NM_006059.4 (MANE Select); coding-DNA position 1631, A replaced by G.
Protein change: p.Glu544Gly; replaces glutamic acid 544 with glycine.
Molecular consequence: missense variant.
Genome position (GRCh38, 1-based): chr9:131,052,491, A>G. VCF-style: chr9-131052491-A-G. GRCh37 (hg19) VCF-style: chr9-133927878-A-G.
Other names: short protein forms E544G.
Identifiers: ClinVar variation 129452 (VCV000129452.18), dbSNP rs10901333, ClinGen allele CA153472.

ClinVar aggregate classification (germline): Benign. Review status: criteria provided, multiple submitters, no conflicts (2 of 4 stars). 5 submissions from 5 submitters: Benign (4). 1 of the submissions does not count toward it. Last evaluated 2026-02-04.

Conditions:
Occipital pachygyria and polymicrogyria. Identifiers: Orphanet 280640, MedGen C3279875, MONDO:0013583, OMIM 614115.

Allele frequency attached by ClinVar (database versions not stated): gnomAD exomes 0.46294 and 0.44809; 1000 Genomes Project 30x 0.47517; 1000 Genomes Project 0.47125; gnomAD 0.47648 and 0.47711; ESP Exome Variant Server 0.49500; ExAC 0.45924; TOPMed 0.46334.
gnomAD v4.1: 747,787 of 1,611,588 alleles (46%); highest among the groups gnomAD compares: African/African-American, 52%; 175,566 homozygotes.

Submissions (5):

Labcorp Genetics (formerly Invitae), Labcorp
Classification: Benign. Last evaluated: 2026-02-04. Review status: criteria provided, single submitter. Criteria: Invitae Variant Classification Sherloc (09022015). Collection method: clinical testing. Allele origin: germline.

Genome-Nilou Lab
Classification: Benign for Occipital pachygyria and polymicrogyria. Last evaluated: 2021-08-19. Review status: criteria provided, single submitter. Criteria: ACMG Guidelines, 2015. Collection method: clinical testing. Allele origin: germline. Affected: no.

GeneDx
Classification: Benign. Last evaluated: 2015-03-03. Review status: criteria provided, single submitter. Criteria: GeneDx Variant Classification Process June 2021. Collection method: clinical testing. Allele origin: germline. Affected: yes.

Breakthrough Genomics
Classification: Benign. Review status: criteria provided, single submitter. Criteria: ACMG Guidelines, 2015. Collection method: not provided. Allele origin: germline. Inheritance: Autosomal recessive inheritance. Affected: yes.

Genetic Services Laboratory, University of Chicago
Classification: Likely benign for AllHighlyPenetrant. Review status: no assertion criteria provided. Collection method: clinical testing. Allele origin: germline. Inheritance: X-linked inheritance. Not counted in ClinVar's aggregate classification.
Comment: Likely benign based on allele frequency in 1000 Genomes Project or ESP global frequency and its presence in a patient with a rare or unrelated disease phenotype. NOT Sanger confirmed.